The following is an entry in ClinVar:

ClinVar aggregate classification (germline): Uncertain significance. Review status: criteria provided, multiple submitters, no conflicts (2 of 4 stars). 2 submissions from 2 submitters: Uncertain significance (2). Last evaluated 2026-06-17.

Conditions:
Inborn genetic diseases. Identifiers: MedGen C0950123, MeSH D030342.

Submissions (2):

Ambry Genetics
Classification: Uncertain significance for Inborn genetic diseases. Last evaluated: 2026-06-17. Review status: criteria provided, single submitter. Criteria: Ambry Variant Classification Scheme 2023. Collection method: clinical testing. Allele origin: germline.

GeneDx
Classification: Uncertain significance. Last evaluated: 2023-04-25. Review status: criteria provided, single submitter. Criteria: GeneDx Variant Classification Process June 2021. Collection method: clinical testing. Allele origin: germline. Affected: yes.
Comment: Not observed at significant frequency in large population cohorts (gnomAD); In silico analysis supports that this missense variant has a deleterious effect on protein structure/function; Has not been previously published as pathogenic or benign to our knowledge

NM_001374828.1(ARID1B):c.3953C>T (p.Pro1318Leu)

Gene: ARID1B (AT-rich interaction domain 1B; plus strand). Cytogenetic location: 6q25.3.
Variant type: single nucleotide variant.
Coding change: c.3953C>T on transcript NM_001374828.1 (MANE Select); coding-DNA position 3953, C replaced by T.
Protein change: p.Pro1318Leu; replaces proline 1318 with leucine.
Molecular consequence: missense variant.
Genome position (GRCh38, 1-based): chr6:157,189,675, C>T. VCF-style: chr6-157189675-C-T. GRCh37 (hg19) VCF-style: chr6-157510809-C-T.
Other names: c.1454C>T, p.Pro485Leu (NM_001363725.2); c.3833C>T, p.Pro1278Leu (NM_001371656.1, NM_001374820.1); c.3794C>T, p.Pro1265Leu (NM_017519.3); c.3584C>T, p.Pro1195Leu (NM_020732.3); c.3371C>T, p.Pro1124Leu (NM_175863.2); c.3704C>T, p.Pro1235Leu (NM_001346813.1); short protein forms P1124L, P1195L, P1235L, P1265L, P1278L, P1318L, P485L.
Identifiers: ClinVar variation 2500375 (VCV002500375.2), dbSNP rs2128338763, ClinGen allele CA366234063.